The following is an entry in ClinVar:

ClinVar aggregate classification (germline): Pathogenic (1 of 4 stars; one submission).

Conditions:
Familial intrahepatic cholestasis. Identifiers: Orphanet 284385, MedGen CN296401, MONDO:0017290.

Submission:

Genomenon, Inc
Classification: Pathogenic for Familial intrahepatic cholestasis. Last evaluated: 2026-04-14. Review status: criteria provided, single submitter. Criteria: Genomenon Sequence Variant Interpretation Standards - Updated. Collection method: curation. Allele origin: germline. Affected: yes.
Comment: ABCB4 c.2211+1G>T is a canonical splice variant affecting the donor splice site of intron 17. It is predicted to affect mRNA splicing, leading to a deleterious effect on the ABCB4 protein. This variant has been observed in at least one proband with an ABCB4-related disorder (PMID:23022423). It is absent or not present at a significant frequency in gnomAD. In conclusion, we classify ABCB4 c.2211+1G>T as a pathogenic variant.

Literature cited by the submitters: PubMed 23022423.

NM_000443.4(ABCB4):c.2211+1G>T

Gene: ABCB4 (ATP binding cassette subfamily B member 4; minus strand). Cytogenetic location: 7q21.12.
Variant type: single nucleotide variant.
Coding change: c.2211+1G>T on transcript NM_000443.4 (MANE Select); the canonical splice donor site of the intron after coding-DNA position 2211, G replaced by T.
Molecular consequence: splice donor variant.
Genome position (GRCh38, 1-based): chr7:87,423,905, C>A on the plus strand (G>T on the coding strand, the complement: ABCB4 is on the minus strand). VCF-style: chr7-87423905-C-A. GRCh37 (hg19) VCF-style: chr7-87053221-C-A.
Other names: c.2211+1G>T (NM_018850.3, NM_018849.3).
Identifiers: ClinVar variation 4846348 (VCV004846348.1).